The following is an entry in ClinVar:

NM_018127.7(ELAC2):c.739-1G>C

Gene: ELAC2 (elaC ribonuclease Z 2; minus strand). Cytogenetic location: 17p12.
Variant type: single nucleotide variant.
Coding change: c.739-1G>C on transcript NM_018127.7 (MANE Select); the canonical splice acceptor site of the intron before coding-DNA position 739, G replaced by C.
Molecular consequence: splice acceptor variant.
Genome position (GRCh38, 1-based): chr17:13,005,980, C>G on the plus strand (G>C on the coding strand, the complement: ELAC2 is on the minus strand). VCF-style: chr17-13005980-C-G. GRCh37 (hg19) VCF-style: chr17-12909297-C-G.
Other names: c.619-1G>C (NM_001165962.2); c.739-1G>C (NM_173717.2).
Identifiers: ClinVar variation 3603324 (VCV003603324.2).
Genomic context (GRCh38, chr17:13,005,980, plus strand): 5'-CACTGGGAGGCCCATCTCCTTTGCTTTGAGCACCAAGAAGTTTCCTCTCTTTAAGTGAAG[C>G]TGCAACAAAGAGAACATAGATGTGATCTTAGGGGCTAATGAAGAAGGTTGGTTTTAATCA-3'

ClinVar aggregate classification (germline): Likely pathogenic (1 of 4 stars; one submission).

Conditions:
Combined oxidative phosphorylation defect type 17. Also called: Combined oxidative phosphorylation deficiency 17. Identifiers: Orphanet 369913, MedGen C3809526, MONDO:0014190, OMIM 615440.

gnomAD v4.1: 1 of 1,614,062 alleles (0.000062%); highest among the groups gnomAD compares: Admixed American, 0.0017%; no homozygotes.

Submission:

Labcorp Genetics (formerly Invitae), Labcorp
Classification: Likely pathogenic for Combined oxidative phosphorylation defect type 17. Last evaluated: 2024-06-30. Review status: criteria provided, single submitter. Criteria: Invitae Variant Classification Sherloc (09022015). Collection method: clinical testing. Allele origin: germline.
Comment: This sequence change affects an acceptor splice site in intron 8 of the ELAC2 gene. It is expected to disrupt RNA splicing. Variants that disrupt the donor or acceptor splice site typically lead to a loss of protein function (PMID: 16199547), and loss-of-function variants in ELAC2 are known to be pathogenic (PMID: 27769300, 31045291). This variant is present in population databases (no rsID available, gnomAD 0.003%). This variant has not been reported in the literature in individuals affected with ELAC2-related conditions. Algorithms developed to predict the effect of sequence changes on RNA splicing suggest that this variant may disrupt the consensus splice site. In summary, the currently available evidence indicates that the variant is pathogenic, but additional data are needed to prove that conclusively. Therefore, this variant has been classified as Likely Pathogenic.

Literature cited by the submitters: PubMed 16199547; PubMed 27769300; PubMed 31045291.